The following is an entry in ClinVar:

NM_001035.3(RYR2):c.9503T>C (p.Val3168Ala)

Gene: RYR2 (ryanodine receptor 2; plus strand). Cytogenetic location: 1q43.
Variant type: single nucleotide variant.
Coding change: c.9503T>C on transcript NM_001035.3 (MANE Select); coding-DNA position 9503, T replaced by C.
Protein change: p.Val3168Ala; replaces valine 3168 with alanine.
Molecular consequence: missense variant.
Genome position (GRCh38, 1-based): chr1:237,705,266, T>C. VCF-style: chr1-237705266-T-C. GRCh37 (hg19) VCF-style: chr1-237868566-T-C.
Other names: short protein forms V3168A.
Identifiers: ClinVar variation 918886 (VCV000918886.5), dbSNP rs771061334, ClinGen allele CA076850.

ClinVar aggregate classification (germline): Uncertain significance (1 of 4 stars; one submission).

Conditions:
Cardiomyopathy (CMYO). Also called: Cardiomyopathies. Identifiers: Orphanet 167848, MedGen C0878544, MONDO:0004994, HP:0001638. Inheritance: Various modes of inheritance.

Allele frequency attached by ClinVar (database versions not stated): gnomAD exomes below 0.00001.
gnomAD v4.1: 2 of 1,606,690 alleles (0.00012%); highest among the groups gnomAD compares: Non-Finnish European, 0.00017%; no homozygotes.

Submission:

Color Diagnostics, LLC DBA Color Health
Classification: Uncertain significance for Cardiomyopathy. Last evaluated: 2024-03-06. Review status: criteria provided, single submitter. Criteria: ACMG Guidelines, 2015. Collection method: clinical testing. Allele origin: germline.
Comment: This variant is located in the RYR2 protein. Computational prediction suggests that this variant may have deleterious impact on protein structure and function (internally defined REVEL score threshold >= 0.7, PMID: 27666373). To our knowledge, functional studies have not been reported for this variant. This variant has not been reported in individuals affected with cardiovascular disorders in the literature. This variant has not been identified in the general population by the Genome Aggregation Database (gnomAD). The available evidence is insufficient to determine the role of this variant in disease conclusively. Therefore, this variant is classified as a Variant of Uncertain Significance.